The following is an entry in ClinVar:

NM_021930.6(RINT1):c.71A>G (p.Lys24Arg)

Gene: RINT1 (RAD50 interactor 1; plus strand). Cytogenetic location: 7q22.3.
Variant type: single nucleotide variant.
Coding change: c.71A>G on transcript NM_021930.6 (MANE Select); coding-DNA position 71, A replaced by G.
Protein change: p.Lys24Arg; replaces lysine 24 with arginine.
Molecular consequence: missense variant. On other transcripts: 5 prime UTR variant (4), non-coding transcript variant (1).
Genome position (GRCh38, 1-based): chr7:105,532,852, A>G. VCF-style: chr7-105532852-A-G. GRCh37 (hg19) VCF-style: chr7-105173299-A-G.
Other names: c.-27A>G (NM_001346599.2); c.-949A>G (NM_001346600.2); c.-852A>G (NM_001346601.2); c.-472A>G (NM_001346603.2); short protein forms K24R.
Identifiers: ClinVar variation 3945999 (VCV003945999.1).
Genomic context (GRCh38, chr7:105,532,852, plus strand): 5'-TAATGTGCTTGTCACATCTGTTCTTCTTCTAGTGCTGCTCTGAAAGTGGTGACGAAAGGA[A>G]GAACCTCGAGGAGAAAAGTAAGCCAGCTCCAAACACCTTAGCTTTTTCTTCCCGCCCAAA-3'
Protein context (NP_068749.3, residues 14-34): PCCSESGDER[Lys24Arg]NLEEKSDINV

ClinVar aggregate classification (germline): Uncertain significance (1 of 4 stars; one submission).

Submission:

Ambry Genetics
Classification: Uncertain significance. Last evaluated: 2025-05-15. Review status: criteria provided, single submitter. Criteria: Ambry Variant Classification Scheme 2023. Collection method: clinical testing. Allele origin: germline.
Comment: The p.K24R variant (also known as c.71A>G), located in coding exon 2 of the RINT1 gene, results from an A to G substitution at nucleotide position 71. The lysine at codon 24 is replaced by arginine, an amino acid with highly similar properties. This amino acid position is conserved. In addition, this alteration is predicted to be tolerated by in silico analysis. Based on the available evidence, the clinical significance of this variant remains unclear.